The following is an entry in ClinVar:

NM_016203.4(PRKAG2):c.376A>G (p.Ile126Val)

Gene: PRKAG2 (protein kinase AMP-activated non-catalytic subunit gamma 2; minus strand). Cytogenetic location: 7q36.1.
Variant type: single nucleotide variant.
Coding change: c.376A>G on transcript NM_016203.4 (MANE Select); coding-DNA position 376, A replaced by G.
Protein change: p.Ile126Val; replaces isoleucine 126 with valine.
Molecular consequence: missense variant.
Genome position (GRCh38, 1-based): chr7:151,781,242, T>C on the plus strand (A>G on the coding strand, the complement: PRKAG2 is on the minus strand). VCF-style: chr7-151781242-T-C. GRCh37 (hg19) VCF-style: chr7-151478328-T-C.
Other names: c.244A>G, p.Ile82Val (NM_001040633.2); c.376A>G (NM_016203.3); short protein forms I82V, I126V.
Identifiers: ClinVar variation 926741 (VCV000926741.38), dbSNP rs1379819489, ClinGen allele CA370069514.
Genomic context (GRCh38, chr7:151,781,242, plus strand): 5'-CCCCGGGCGAGGTAGCAGGGTTGGAGTTGGGGGAAGACTCTTTGGAGGAGGAGCGGAAGA[T>C]CCCACTGAAGCTCATGCGTCGAGGGGAGCGTGGCGGGGACTCCTGGTAGGAGAACGGGAA-3'
Protein context (NP_057287.2, residues 116-136): RSPRRMSFSG[Ile126Val]FRSSSKESSP

ClinVar aggregate classification (germline): Uncertain significance. Review status: criteria provided, multiple submitters, no conflicts (2 of 4 stars). 5 submissions from 5 submitters: Uncertain significance (5). Last evaluated 2026-01-25.

Conditions:
Hypertrophic cardiomyopathy. Also called: HYPERTROPHIC MYOCARDIOPATHY. Identifiers: Orphanet 217569, MedGen C0007194, MeSH D002312, MONDO:0005045, HP:0001639.
Cardiomyopathy (CMYO). Also called: Cardiomyopathies. Identifiers: Orphanet 167848, MedGen C0878544, MONDO:0004994, HP:0001638. Inheritance: Various modes of inheritance.
Lethal congenital glycogen storage disease of heart. Also called: GLYCOGEN STORAGE DISEASE OF HEART; PHOSPHORYLASE KINASE DEFICIENCY OF HEART. Identifiers: Orphanet 439854, MedGen C1849813, MONDO:0009867, OMIM 261740.
Cardiovascular phenotype. Identifiers: MedGen CN230736.

Allele frequency attached by ClinVar (database versions not stated): gnomAD exomes below 0.00001; TOPMed below 0.00001; gnomAD 0.00001.
gnomAD v4.1: 4 of 1,613,938 alleles (0.00025%); highest among the groups gnomAD compares: Non-Finnish European, 0.00025%; no homozygotes.

Submissions (5):

Ambry Genetics
Classification: Uncertain significance for Cardiovascular phenotype. Last evaluated: 2026-01-25. Review status: criteria provided, single submitter. Criteria: Ambry Variant Classification Scheme 2023. Collection method: clinical testing. Allele origin: germline.
Comment: The p.I126V variant (also known as c.376A>G), located in coding exon 3 of the PRKAG2 gene, results from an A to G substitution at nucleotide position 376. The isoleucine at codon 126 is replaced by valine, an amino acid with highly similar properties. This amino acid position is conserved. In addition, the in silico prediction for this alteration is inconclusive. Based on the available evidence, the clinical significance of this variant remains unclear.

Labcorp Genetics (formerly Invitae), Labcorp
Classification: Uncertain significance for Lethal congenital glycogen storage disease of heart. Last evaluated: 2024-10-03. Review status: criteria provided, single submitter. Criteria: Invitae Variant Classification Sherloc (09022015). Collection method: clinical testing. Allele origin: germline.
Comment: This sequence change replaces isoleucine, which is neutral and non-polar, with valine, which is neutral and non-polar, at codon 126 of the PRKAG2 protein (p.Ile126Val). This variant is not present in population databases (gnomAD no frequency). This variant has not been reported in the literature in individuals affected with PRKAG2-related conditions. ClinVar contains an entry for this variant (Variation ID: 926741). Invitae Evidence Modeling of protein sequence and biophysical properties (such as structural, functional, and spatial information, amino acid conservation, physicochemical variation, residue mobility, and thermodynamic stability) indicates that this missense variant is not expected to disrupt PRKAG2 protein function with a negative predictive value of 95%. In summary, the available evidence is currently insufficient to determine the role of this variant in disease. Therefore, it has been classified as a Variant of Uncertain Significance.

All of Us Research Program, National Institutes of Health
Classification: Uncertain significance for Hypertrophic cardiomyopathy. Last evaluated: 2024-03-05. Review status: criteria provided, single submitter. Criteria: ACMG Guidelines, 2015. Collection method: clinical testing. Allele origin: germline. Inheritance: Autosomal dominant inheritance. Observed: 1 variant allele, 1 heterozygote.
Comment: This missense variant replaces isoleucine with valine at codon 126 of the PRKAG2 protein. Computational prediction tools and conservation analyses are inconclusive regarding the impact of this variant on the protein function. Computational splicing tools suggest that this variant may not impact RNA splicing. To our knowledge, functional assays have not been performed for this variant nor has this variant been reported in individuals affected with cardiovascular disorders in the literature. This variant has not been identified in the general population by the Genome Aggregation Database (gnomAD). Available evidence is insufficient to determine the role of this variant in disease conclusively. Therefore, this variant is classified as a Variant of Uncertain Significance.

This study involves interpretation of variants in research participants for the purpose of population health screening. Participant phenotype was not available at the time of variant classification. Additional details can be found in publication PMID: 35346344, PMCID: PMC8962531

Color Diagnostics, LLC DBA Color Health
Classification: Uncertain significance for Cardiomyopathy. Last evaluated: 2023-12-04. Review status: criteria provided, single submitter. Criteria: ACMG Guidelines, 2015. Collection method: clinical testing. Allele origin: germline.
Comment: This missense variant replaces isoleucine with valine at codon 126 of the PRKAG2 protein. Computational prediction tools and conservation analyses are inconclusive regarding the impact of this variant on the protein function. Computational splicing tools suggest that this variant may not impact RNA splicing. To our knowledge, functional assays have not been performed for this variant nor has this variant been reported in individuals affected with cardiovascular disorders in the literature. This variant has not been identified in the general population by the Genome Aggregation Database (gnomAD). Available evidence is insufficient to determine the role of this variant in disease conclusively. Therefore, this variant is classified as a Variant of Uncertain Significance.

CeGaT Center for Human Genetics Tuebingen
Classification: Uncertain significance. Last evaluated: 2023-10-01. Review status: criteria provided, single submitter. Criteria: CeGaT Center For Human Genetics Tuebingen Variant Classification Criteria Version 2. Collection method: clinical testing. Allele origin: germline. Affected: yes. Observed: 1 variant allele.
Comment: PRKAG2: PM2